The following is an entry in ClinVar:

ClinVar aggregate classification (germline): Uncertain significance (1 of 4 stars; one submission).

Conditions:
Familial thoracic aortic aneurysm and aortic dissection (TAAD). Also called: Thoracic aortic aneurysms and dissections. Identifiers: Orphanet 91387, MedGen C4707243, MONDO:0019625.

Submission:

Ambry Genetics
Classification: Uncertain significance for Familial thoracic aortic aneurysm and aortic dissection. Last evaluated: 2025-01-08. Review status: criteria provided, single submitter. Criteria: Ambry Variant Classification Scheme 2023. Collection method: clinical testing. Allele origin: germline.
Comment: The p.Q1563R variant (also known as c.4688A>G), located in coding exon 36 of the FBN2 gene, results from an A to G substitution at nucleotide position 4688. The glutamine at codon 1563 is replaced by arginine, an amino acid with highly similar properties. This amino acid position is well conserved in available vertebrate species. In addition, the in silico prediction for this alteration is inconclusive. Based on the available evidence, the clinical significance of this variant remains unclear.

NM_001999.4(FBN2):c.4688A>G (p.Gln1563Arg)

Gene: FBN2 (fibrillin 2; minus strand). Cytogenetic location: 5q23.3.
Variant type: single nucleotide variant.
Coding change: c.4688A>G on transcript NM_001999.4 (MANE Select); coding-DNA position 4688, A replaced by G.
Protein change: p.Gln1563Arg; replaces glutamine 1563 with arginine.
Molecular consequence: missense variant.
Genome position (GRCh38, 1-based): chr5:128,318,178, T>C on the plus strand (A>G on the coding strand, the complement: FBN2 is on the minus strand). VCF-style: chr5-128318178-T-C. GRCh37 (hg19) VCF-style: chr5-127653870-T-C.
Other names: short protein forms Q1563R.
Identifiers: ClinVar variation 3849200 (VCV003849200.1).
Genomic context (GRCh38, chr5:128,318,178, plus strand): 5'-CTATTTGTTTGTTTCATATAGCTTTACTTACCAACACAACCCACACCAGTTGGGTTCAAC[T>C]GAAAATCGGGTGGGCAGTTACACTCATAGCGACCAGGCGTGTTGACACATAGGCCATTGA-3'
Protein context (NP_001990.2, residues 1553-1573): RYECNCPPDF[Gln1563Arg]LNPTGVGCVD